The following is an entry in ClinVar:

Conditions:
Breast-ovarian cancer, familial, susceptibility to, 1 (BROVCA1). Also called: BRCA1 Hereditary Breast and Ovarian Cancer; OVARIAN CANCER, SUSCEPTIBILITY TO. Identifiers: Orphanet 145, MedGen C2676676, MONDO:0011450, OMIM 604370. Disease mechanism: loss of function.

Submission:

Brotman Baty Institute, University of Washington
No classification provided (evidence only). Condition: Breast-ovarian cancer, familial 1. Review status: no classification provided. Collection method: in vitro. Allele origin: not applicable. Functional consequence: functionally_normal.
ClinVar note: "not provided" was previously submitted as the classification for the variant. However, the classification appeared to be based only on an observation of functional data so it was converted to no classification on 2025-07-30.

NM_007294.4(BRCA1):c.5247A>G (p.Pro1749=)

Gene: BRCA1 (BRCA1 DNA repair associated; minus strand). Cytogenetic location: 17q21.31.
Variant type: single nucleotide variant.
Coding change: c.5247A>G on transcript NM_007294.4 (MANE Select); coding-DNA position 5247, A replaced by G.
Protein change: p.Pro1749=; no amino-acid change (proline 1749 retained).
Molecular consequence: synonymous variant.
Genome position (GRCh38, 1-based): chr17:43,057,082, T>C on the plus strand (A>G on the coding strand, the complement: BRCA1 is on the minus strand). VCF-style: chr17-43057082-T-C. GRCh37 (hg19) VCF-style: chr17-41209099-T-C.
Other names: c.5034A>G, p.Pro1678= (NM_001407571.1, NM_001407894.1, NM_001407895.1 and 12 more transcripts); c.5313A>G, p.Pro1771= (NM_001407581.1, NM_001407582.1); c.5310A>G, p.Pro1770= (NM_001407583.1, NM_001407585.1, NM_001407587.1 and 1 more transcripts); c.5307A>G, p.Pro1769= (NM_001407590.1, NM_001407591.1); c.5247A>G, p.Pro1749= (NM_001407593.1, NM_001407594.1, NM_001407596.1 and 7 more transcripts); c.5244A>G, p.Pro1748= (NM_001407610.1, NM_001407611.1, NM_001407612.1 and 17 more transcripts); c.5241A>G, p.Pro1747= (NM_001407627.1, NM_001407628.1, NM_001407629.1 and 14 more transcripts); c.5238A>G, p.Pro1746= (NM_001407644.1, NM_001407645.1); and 72 more.
Identifiers: ClinVar variation 865197 (VCV000865197.3), dbSNP rs2051507989, ClinGen allele CA500144637.